The following is an entry in ClinVar:

NM_000271.5(NPC1):c.2526T>A (p.Phe842Leu)

Gene: NPC1 (NPC intracellular cholesterol transporter 1; minus strand). Cytogenetic location: 18q11.2.
Variant type: single nucleotide variant.
Coding change: c.2526T>A on transcript NM_000271.5 (MANE Select); coding-DNA position 2526, T replaced by A.
Protein change: p.Phe842Leu; replaces phenylalanine 842 with leucine.
Molecular consequence: missense variant.
Genome position (GRCh38, 1-based): chr18:23,540,526, A>T on the plus strand (T>A on the coding strand, the complement: NPC1 is on the minus strand). VCF-style: chr18-23540526-A-T. GRCh37 (hg19) VCF-style: chr18-21120490-A-T.
Other names: c.2526T>A (NM_000271.4); short protein forms F842L.
Identifiers: ClinVar variation 1932106 (VCV001932106.8), dbSNP rs1462754046, ClinGen allele CA401793230.

ClinVar aggregate classification (germline): Pathogenic/Likely pathogenic. Review status: criteria provided, multiple submitters, no conflicts (2 of 4 stars). 3 submissions from 3 submitters: Pathogenic (1); Likely pathogenic (2). Last evaluated 2025-05-26.

Conditions:
Niemann-Pick disease, type C1. Also called: NEUROVISCERAL STORAGE DISEASE WITH VERTICAL SUPRANUCLEAR OPHTHALMOPLEGIA; NIEMANN-PICK DISEASE WITH CHOLESTEROL ESTERIFICATION BLOCK; NIEMANN-PICK DISEASE WITHOUT SPHINGOMYELINASE DEFICIENCY; NIEMANN-PICK DISEASE, CHRONIC NEURONOPATHIC FORM; NIEMANN-PICK DISEASE, VARIANT TYPE C1. Identifiers: Orphanet 646, MedGen C3179455, MONDO:0009757, OMIM 257220.
Niemann-Pick disease, type C (NPC). Identifiers: Orphanet 646, MedGen C0220756, MONDO:0018982.

Allele frequency attached by ClinVar (database versions not stated): gnomAD exomes below 0.00001.
gnomAD v4.1: 3 of 1,610,544 alleles (0.00019%); highest among the groups gnomAD compares: East Asian, 0.0067%; no homozygotes.

Submissions (3):

Natera, Inc.
Classification: Likely pathogenic for Niemann-Pick disease type C1. Last evaluated: 2025-05-26. Review status: criteria provided, single submitter. Criteria: Natera Variant Classification Schema (03/2026). Collection method: clinical testing. Allele origin: germline.
Comment: The c.2526T>A variant in NPC1 is a missense variant predicted to cause substitution of phenylalanine to leucine at amino acid 842. This variant is rare in the general population with a frequency below the threshold expected for the associated phenotype(s). This variant has been observed in one or more individuals affected with the associated recessive disease, as either homozygous or compound heterozygous with a second variant (PMID: 38131230). This variant has been identified in one or more affected individuals with a phenotype highly consistent with the associated gene (PMID: 38131230). Computational prediction algorithms indicate this variant is likely to affect gene or protein function. Given the available evidence, this variant is classified as Likely Pathogenic.

Women's Health and Genetics/Laboratory Corporation of America, LabCorp
Classification: Likely pathogenic for Niemann-Pick disease, type C. Last evaluated: 2024-04-25. Review status: criteria provided, single submitter. Criteria: LabCorp Variant Classification Summary - May 2015. Collection method: clinical testing. Allele origin: germline.
Comment: Variant summary: NPC1 c.2526T>A (p.Phe842Leu) results in a non-conservative amino acid change in the encoded protein sequence. Five of five in-silico tools predict a damaging effect of the variant on protein function. The variant was absent in 251120 control chromosomes. c.2526T>A has been reported in the literature in individuals affected with Niemann-Pick Disease (e.g., Fu_2022, Rodriguez_2021, Liang_2024). These data indicate that the variant may be associated with disease. Variants at the same codon, c.2524T>C, p.Phe842Leu and c.2525T>C, p.Phe842Ser, have been determined to be pathogenic/likely pathogenic in ClinVar, suggesting that this residue is clinically significant. The following publications have been ascertained in the context of this evaluation (PMID: 36307859, 38131230, 34296265). ClinVar contains an entry for this variant (Variation ID: 1932106). Based on the evidence outlined above, the variant was classified as likely pathogenic.

Labcorp Genetics (formerly Invitae), Labcorp
Classification: Pathogenic for Niemann-Pick disease, type C1. Last evaluated: 2022-05-27. Review status: criteria provided, single submitter. Criteria: Invitae Variant Classification Sherloc (09022015). Collection method: clinical testing. Allele origin: germline.
Comment: This sequence change replaces phenylalanine, which is neutral and non-polar, with leucine, which is neutral and non-polar, at codon 842 of the NPC1 protein (p.Phe842Leu). This variant is not present in population databases (gnomAD no frequency). A different variant (c.2524T>C) giving rise to the same protein effect has been determined to be pathogenic (PMID: 29453517; Invitae). This suggests that this variant is also likely to be causative of disease. Advanced modeling of protein sequence and biophysical properties (such as structural, functional, and spatial information, amino acid conservation, physicochemical variation, residue mobility, and thermodynamic stability) performed at Invitae indicates that this missense variant is expected to disrupt NPC1 protein function. For these reasons, this variant has been classified as Pathogenic.

Literature cited by the submitters: PubMed 38131230 (cited by Natera, Inc. and Women's Health and Genetics/Laboratory Corporation of America, LabCorp); PubMed 36307859 (cited by Women's Health and Genetics/Laboratory Corporation of America, LabCorp); PubMed 34296265 (cited by Women's Health and Genetics/Laboratory Corporation of America, LabCorp); PubMed 29453517 (cited by Labcorp Genetics (formerly Invitae), Labcorp).